The following is an entry in ClinVar:

ClinVar aggregate classification (germline): Uncertain significance. Review status: criteria provided, multiple submitters, no conflicts (2 of 4 stars). 2 submissions from 2 submitters: Uncertain significance (2). Last evaluated 2025-11-17.

Submissions (2):

Labcorp Genetics (formerly Invitae), Labcorp
Classification: Uncertain significance. Last evaluated: 2025-11-17. Review status: criteria provided, single submitter. Criteria: Invitae Variant Classification Sherloc (09022015). Collection method: clinical testing. Allele origin: germline.
Comment: This sequence change creates a premature translational stop signal (p.Leu137Profs*8) in the PIGC gene. While this is not anticipated to result in nonsense mediated decay, it is expected to disrupt the last 161 amino acid(s) of the PIGC protein. This variant is not present in population databases (gnomAD no frequency). This variant has not been reported in the literature in individuals affected with PIGC-related conditions. Experimental studies and prediction algorithms are not available or were not evaluated, and the functional significance of this variant is currently unknown. In summary, the available evidence is currently insufficient to determine the role of this variant in disease. Therefore, it has been classified as a Variant of Uncertain Significance.

Blueprint Genetics
Classification: Uncertain significance. Last evaluated: 2024-04-09. Review status: criteria provided, single submitter. Criteria: ACMG Guidelines, 2015. Collection method: clinical testing. Allele origin: germline.

NM_153747.2(PIGC):c.410_452del (p.Leu137fs)

Genes: C1orf105 (chromosome 1 open reading frame 105; plus strand), PIGC (phosphatidylinositol glycan anchor biosynthesis class C; minus strand). Cytogenetic location: 1q24.3.
Variant type: Deletion.
Coding change: c.410_452del on transcript NM_153747.2 (MANE Select); coding-DNA positions 410 to 452, 43 bases deleted.
Protein change: p.Leu137fs; shifts the reading frame from leucine 137.
Molecular consequence: frameshift variant. On other transcripts: intron variant (1).
Genome position (GRCh38, 1-based): chr1:172,442,171-172,442,213, 43 bases deleted; deleting any 43 consecutive bases within chr1:172,442,171-172,442,216 gives the same sequence; the c. name uses the placement nearest the transcript's 3' end. GRCh37 (hg19): chr1:172,411,314-172,411,356.
Other names: c.410_452del, p.Leu137fs (NM_002642.4); c.22-2899_22-2857del (NM_139240.4); short protein forms L137fs.
Identifiers: ClinVar variation 4771587 (VCV004771587.2).